The following is an entry in ClinVar:

NM_015378.4(VPS13D):c.2826G>T (p.Glu942Asp)

Gene: VPS13D (vacuolar protein sorting 13 homolog D; plus strand). Cytogenetic location: 1p36.22.
Variant type: single nucleotide variant.
Coding change: c.2826G>T on transcript NM_015378.4 (MANE Select); coding-DNA position 2826, G replaced by T.
Protein change: p.Glu942Asp; replaces glutamic acid 942 with aspartic acid.
Molecular consequence: missense variant.
Genome position (GRCh38, 1-based): chr1:12,276,414, G>T. VCF-style: chr1-12276414-G-T. GRCh37 (hg19) VCF-style: chr1-12336471-G-T.
Other names: c.2826G>T, p.Glu942Asp (NM_018156.4); short protein forms E942D.
Identifiers: ClinVar variation 2010359 (VCV002010359.4), dbSNP rs201242186, ClinGen allele CA601872.

ClinVar aggregate classification (germline): Uncertain significance (1 of 4 stars; one submission).

gnomAD v4.1: 1 of 1,614,228 alleles (0.000062%); highest among the groups gnomAD compares: Admixed American, 0.0017%; no homozygotes.

Submission:

Labcorp Genetics (formerly Invitae), Labcorp
Classification: Uncertain significance. Last evaluated: 2023-12-22. Review status: criteria provided, single submitter. Criteria: Invitae Variant Classification Sherloc (09022015). Collection method: clinical testing. Allele origin: germline.
Comment: This sequence change replaces glutamic acid, which is acidic and polar, with aspartic acid, which is acidic and polar, at codon 942 of the VPS13D protein (p.Glu942Asp). This variant is present in population databases (rs201242186, gnomAD 0.003%). This variant has not been reported in the literature in individuals affected with VPS13D-related conditions. ClinVar contains an entry for this variant (Variation ID: 2010359). Advanced modeling of protein sequence and biophysical properties (such as structural, functional, and spatial information, amino acid conservation, physicochemical variation, residue mobility, and thermodynamic stability) performed at Invitae indicates that this missense variant is expected to disrupt VPS13D protein function with a positive predictive value of 80%. In summary, the available evidence is currently insufficient to determine the role of this variant in disease. Therefore, it has been classified as a Variant of Uncertain Significance.